The following is an entry in ClinVar:

ClinVar aggregate classification (germline): Conflicting classifications of pathogenicity. Review status: criteria provided, conflicting classifications (1 of 4 stars). 3 submissions from 3 submitters: Uncertain significance (1); Likely benign (1). 1 of the submissions does not count toward it. Last evaluated 2025-10-06.

Conditions:
FSHB-related disorder. Also called: FSHB-related condition.
Hypogonadotropic hypogonadism 24 without anosmia (HH24). Also called: HYPOGONADOTROPIC HYPOGONADISM 24 WITH OR WITHOUT ANOSMIA; Follicle-stimulating hormone deficiency, isolated. Identifiers: Orphanet 52901, MedGen C5574957, MONDO:0009239, OMIM 229070.

Allele frequency attached by ClinVar (database versions not stated): 1000 Genomes Project 0.00160; 1000 Genomes Project 30x 0.00172; gnomAD 0.00210 and 0.00231; gnomAD exomes 0.00218; ESP Exome Variant Server 0.00223; ExAC 0.00229; TOPMed 0.00258.
gnomAD v4.1: 3,940 of 1,613,922 alleles (0.24%); highest among the groups gnomAD compares: Non-Finnish European, 0.28%; 10 homozygotes.

Submissions (3):

Labcorp Genetics (formerly Invitae), Labcorp
Classification: Likely benign. Last evaluated: 2025-10-06. Review status: criteria provided, single submitter. Criteria: Invitae Variant Classification Sherloc (09022015). Collection method: clinical testing. Allele origin: germline.

Illumina Laboratory Services, Illumina
Classification: Uncertain significance for Hypogonadotropic hypogonadism 24 without anosmia. Last evaluated: 2018-01-13. Review status: criteria provided, single submitter. Criteria: ICSL Variant Classification Criteria 13 December 2019. Collection method: clinical testing. Allele origin: germline.

PreventionGenetics, part of Exact Sciences
Classification: Benign for FSHB-related condition. Last evaluated: 2019-09-25. Review status: no assertion criteria provided. Collection method: clinical testing. Allele origin: germline. Not counted in ClinVar's aggregate classification.
Comment: This variant is classified as benign based on ACMG/AMP sequence variant interpretation guidelines (Richards et al. 2015 PMID: 25741868, with internal and published modifications).

NM_001382289.1(FSHB):c.59G>T (p.Ser20Ile)

Genes: ARL14EP-DT (ARL14EP divergent transcript; minus strand), FSHB (follicle stimulating hormone subunit beta; plus strand). Cytogenetic location: 11p14.1.
Variant type: single nucleotide variant.
Coding change: c.59G>T on transcript NM_001382289.1 (MANE Select); coding-DNA position 59, G replaced by T.
Protein change: p.Ser20Ile; replaces serine 20 with isoleucine.
Molecular consequence: missense variant.
Genome position (GRCh38, 1-based): chr11:30,231,961, G>T. VCF-style: chr11-30231961-G-T. GRCh37 (hg19) VCF-style: chr11-30253508-G-T.
Other names: c.59G>T (NM_001018080.1); c.59G>T, p.Ser20Ile (NM_000510.4, NM_001018080.3); short protein forms S20I.
Identifiers: ClinVar variation 304276 (VCV000304276.16), dbSNP rs6170, ClinGen allele CA5930738.